The following is an entry in ClinVar:

ClinVar aggregate classification (germline): Benign/Likely benign. Review status: criteria provided, multiple submitters, no conflicts (2 of 4 stars). 5 submissions from 5 submitters: Benign (1); Likely benign (3). 1 of the submissions does not count toward it. Last evaluated 2026-01-26.

Conditions:
COL12A1-related disorder. Also called: COL12A1-related condition.
Ullrich congenital muscular dystrophy 2 (UCMD2). Identifiers: Orphanet 75840, MedGen C4225314, MONDO:0014654, OMIM 616470.
Bethlem myopathy 2 (BTHLM2). Identifiers: Orphanet 536516, Orphanet 610, MedGen C4225313, MONDO:0034022, OMIM 616471.

Allele frequency attached by ClinVar (database versions not stated): gnomAD exomes 0.00009 and 0.00023; ExAC 0.00038; gnomAD 0.00098 and 0.00103; ESP Exome Variant Server 0.00106; TOPMed 0.00115; 1000 Genomes Project 0.00180; 1000 Genomes Project 30x 0.00203.
gnomAD v4.1: 295 of 1,607,568 alleles (0.018%); highest among the groups gnomAD compares: African/African-American, 0.35%; no homozygotes.

Submissions (5):

Labcorp Genetics (formerly Invitae), Labcorp
Classification: Benign for Bethlem myopathy 2; Ullrich congenital muscular dystrophy 2. Last evaluated: 2026-01-26. Review status: criteria provided, single submitter. Criteria: Invitae Variant Classification Sherloc (09022015). Collection method: clinical testing. Allele origin: germline.

Women's Health and Genetics/Laboratory Corporation of America, LabCorp
Classification: Likely benign. Last evaluated: 2025-01-14. Review status: criteria provided, single submitter. Criteria: LabCorp Variant Classification Summary - May 2015. Collection method: clinical testing. Allele origin: germline.

Blueprint Genetics
Classification: Likely benign. Last evaluated: 2024-06-04. Review status: criteria provided, single submitter. Criteria: ACMG Guidelines, 2015. Collection method: clinical testing. Allele origin: germline.

GeneDx
Classification: Likely benign. Last evaluated: 2021-01-12. Review status: criteria provided, single submitter. Criteria: GeneDx Variant Classification Process June 2021. Collection method: clinical testing. Allele origin: germline. Affected: yes.

PreventionGenetics, part of Exact Sciences
Classification: Benign for COL12A1-related condition. Last evaluated: 2019-08-03. Review status: no assertion criteria provided. Collection method: clinical testing. Allele origin: germline. Not counted in ClinVar's aggregate classification.
Comment: This variant is classified as benign based on ACMG/AMP sequence variant interpretation guidelines (Richards et al. 2015 PMID: 25741868, with internal and published modifications).

NM_004370.6(COL12A1):c.7355-9A>G

Gene: COL12A1 (collagen type XII alpha 1 chain; minus strand). Cytogenetic location: 6q13.
Variant type: single nucleotide variant.
Coding change: c.7355-9A>G on transcript NM_004370.6 (MANE Select); 9 bases into the intron before coding-DNA position 7355, A replaced by G.
Molecular consequence: intron variant.
Genome position (GRCh38, 1-based): chr6:75,117,555, T>C on the plus strand (A>G on the coding strand, the complement: COL12A1 is on the minus strand). VCF-style: chr6-75117555-T-C. GRCh37 (hg19) VCF-style: chr6-75827271-T-C.
Other names: c.3863-9A>G (NM_080645.3).
Identifiers: ClinVar variation 706309 (VCV000706309.19), dbSNP rs145346828, ClinGen allele CA3892570.